The following is an entry in ClinVar:

ClinVar aggregate classification (germline): Uncertain significance (1 of 4 stars; one submission).

Conditions:
Bethlem myopathy 1A. Also called: MYOPATHY, BENIGN CONGENITAL, WITH CONTRACTURES; Bethlem Muscular Dystrophy; Bethlem myopathy 1. Identifiers: Orphanet 610, MedGen CN029274, MONDO:0024530, OMIM 158810.

Submission:

Labcorp Genetics (formerly Invitae), Labcorp
Classification: Uncertain significance for Bethlem myopathy 1A. Last evaluated: 2022-08-20. Review status: criteria provided, single submitter. Criteria: Invitae Variant Classification Sherloc (09022015). Collection method: clinical testing. Allele origin: germline.
Comment: This sequence change replaces glutamic acid, which is acidic and polar, with lysine, which is basic and polar, at codon 2411 of the COL6A3 protein (p.Glu2411Lys). This variant is not present in population databases (gnomAD no frequency). This variant has not been reported in the literature in individuals affected with COL6A3-related conditions. Advanced modeling of protein sequence and biophysical properties (such as structural, functional, and spatial information, amino acid conservation, physicochemical variation, residue mobility, and thermodynamic stability) performed at Invitae indicates that this missense variant is not expected to disrupt COL6A3 protein function. In summary, the available evidence is currently insufficient to determine the role of this variant in disease. Therefore, it has been classified as a Variant of Uncertain Significance.

NM_004369.4(COL6A3):c.7231G>A (p.Glu2411Lys)

Gene: COL6A3 (collagen type VI alpha 3 chain; minus strand). Cytogenetic location: 2q37.3.
Variant type: single nucleotide variant.
Coding change: c.7231G>A on transcript NM_004369.4 (MANE Select); coding-DNA position 7231, G replaced by A.
Protein change: p.Glu2411Lys; replaces glutamic acid 2411 with lysine.
Molecular consequence: missense variant.
Genome position (GRCh38, 1-based): chr2:237,344,787, C>T on the plus strand (G>A on the coding strand, the complement: COL6A3 is on the minus strand). VCF-style: chr2-237344787-C-T. GRCh37 (hg19) VCF-style: chr2-238253430-C-T.
Other names: c.5410G>A, p.Glu1804Lys (NM_057166.5); c.6613G>A, p.Glu2205Lys (NM_057167.4); short protein forms E1804K, E2205K, E2411K.
Identifiers: ClinVar variation 1716416 (VCV001716416.6), dbSNP rs2469817936, ClinGen allele CA351204488.
Genomic context (GRCh38, chr2:237,344,787, plus strand): 5'-CATTCACAATACTCAAGACCACATCTCGCATCCGGCCGAAAGTGTCTTGGTTGACTCCCT[C>T]AGAGGTGTCTAAAGCAAAGGCTAGTTCTGTTGGGAAGACGGGGCACTCCAGGGGCCCTGT-3'
Protein context (NP_004360.2, residues 2401-2421): TELAFALDTS[Glu2411Lys]GVNQDTFGRM